The following is an entry in ClinVar:

ClinVar aggregate classification (germline): Uncertain significance (1 of 4 stars; one submission).

Conditions:
Combined oxidative phosphorylation deficiency. Identifiers: MedGen C4540031, MONDO:0000732.
Charcot-Marie-Tooth Neuropathy X. Identifiers: MedGen CN118851.

Allele frequency attached by ClinVar (database versions not stated): gnomAD exomes 0.00001.
gnomAD v4.1: 1 of 1,211,824 alleles (0.000083%); highest among the groups gnomAD compares: Non-Finnish European, 0.00011%; no homozygotes.

Submission:

Labcorp Genetics (formerly Invitae), Labcorp
Classification: Uncertain significance for Charcot-Marie-Tooth Neuropathy X; Combined oxidative phosphorylation deficiency. Last evaluated: 2022-10-17. Review status: criteria provided, single submitter. Criteria: Invitae Variant Classification Sherloc (09022015). Collection method: clinical testing. Allele origin: germline.
Comment: In summary, the available evidence is currently insufficient to determine the role of this variant in disease. Therefore, it has been classified as a Variant of Uncertain Significance. Advanced modeling of protein sequence and biophysical properties (such as structural, functional, and spatial information, amino acid conservation, physicochemical variation, residue mobility, and thermodynamic stability) has been performed at Invitae for this missense variant, however the output from this modeling did not meet the statistical confidence thresholds required to predict the impact of this variant on AIFM1 protein function. ClinVar contains an entry for this variant (Variation ID: 968523). This variant has not been reported in the literature in individuals affected with AIFM1-related conditions. This variant is present in population databases (no rsID available, gnomAD 0.001%). This sequence change replaces glycine, which is neutral and non-polar, with tryptophan, which is neutral and slightly polar, at codon 557 of the AIFM1 protein (p.Gly557Trp).

NM_004208.4(AIFM1):c.1669G>T (p.Gly557Trp)

Genes: AIFM1 (apoptosis inducing factor mitochondria associated 1; minus strand), RAB33A (RAB33A, member RAS oncogene family; plus strand). Cytogenetic location: Xq26.1.
Variant type: single nucleotide variant.
Coding change: c.1669G>T on transcript NM_004208.4 (MANE Select); coding-DNA position 1669, G replaced by T.
Protein change: p.Gly557Trp; replaces glycine 557 with tryptophan.
Molecular consequence: missense variant. On other transcripts: 3 prime UTR variant (1), non-coding transcript variant (1).
Genome position (GRCh38, 1-based): chrX:130,130,071, C>A on the plus strand (G>T on the coding strand, the complement: AIFM1 is on the minus strand). VCF-style: chrX-130130071-C-A. GRCh37 (hg19) VCF-style: chrX-129264046-C-A.
Other names: c.652G>T, p.Gly218Trp (NM_001130846.4); c.*897G>T (NM_001130847.4); c.1657G>T, p.Gly553Trp (NM_145812.3); short protein forms G557W, G218W, G553W.
Identifiers: ClinVar variation 968523 (VCV000968523.9), dbSNP rs1308417889, ClinGen allele CA414568631.